The following is an entry in ClinVar:

ClinVar aggregate classification (germline): Pathogenic (1 of 4 stars; one submission).

Conditions:
Glycine encephalopathy. Also called: Nonketotic hyperglycinemia; Non-ketotic hyperglycinemia. Identifiers: Orphanet 407, MedGen C0751748, MONDO:0011612, HP:0008288.

Submission:

Labcorp Genetics (formerly Invitae), Labcorp
Classification: Pathogenic for Glycine encephalopathy. Last evaluated: 2023-02-20. Review status: criteria provided, single submitter. Criteria: Invitae Variant Classification Sherloc (09022015). Collection method: clinical testing. Allele origin: germline.
Comment: This sequence change creates a premature translational stop signal (p.Ser195Glyfs*2) in the GLDC gene. It is expected to result in an absent or disrupted protein product. Loss-of-function variants in GLDC are known to be pathogenic (PMID: 16601880). This variant is not present in population databases (gnomAD no frequency). This premature translational stop signal has been observed in individual(s) with non-ketotic hyperglycinemia (PMID: 27362913). For these reasons, this variant has been classified as Pathogenic.

Literature cited by the submitters: PubMed 16601880; PubMed 27362913.

NM_000170.3(GLDC):c.582_589del (p.Ser195fs)

Gene: GLDC (glycine decarboxylase; minus strand). Cytogenetic location: 9p24.1.
Variant type: Deletion.
Coding change: c.582_589del on transcript NM_000170.3 (MANE Select); coding-DNA positions 582 to 589, 8 bases deleted (ATCCCTGC; older notation c.582_589delATCCCTGC).
Protein change: p.Ser195fs; shifts the reading frame from serine 195.
Molecular consequence: frameshift variant.
Genome position (GRCh38, 1-based): chr9:6,610,238-6,610,245, GCAGGGAT deleted on the plus strand (ATCCCTGC on the coding strand, the reverse complement: GLDC is on the minus strand); deleting any 8 consecutive bases within chr9:6,610,238-6,610,248 gives the same sequence; the c. name uses the placement nearest the transcript's 3' end. VCF-style (leftmost placement, unchanged base first): chr9-6610237-AGCAGGGAT-A. GRCh37 (hg19) VCF-style: chr9-6610237-AGCAGGGAT-A.
Other names: short protein forms S195fs.
Identifiers: ClinVar variation 2735256 (VCV002735256.3), dbSNP rs2489110934, ClinGen allele CA2689363873.